The following is an entry in ClinVar:

NM_015409.5(EP400):c.5324G>T (p.Ser1775Ile)

Genes: EP400 (E1A binding protein p400; plus strand), LOC124849291 (Sharpr-MPRA regulatory region 9648; plus strand). Cytogenetic location: 12q24.33.
Variant type: single nucleotide variant.
Coding change: c.5324G>T on transcript NM_015409.5 (MANE Select); coding-DNA position 5324, G replaced by T.
Protein change: p.Ser1775Ile; replaces serine 1775 with isoleucine.
Molecular consequence: missense variant.
Genome position (GRCh38, 1-based): chr12:132,028,231, G>T. VCF-style: chr12-132028231-G-T. GRCh37 (hg19) VCF-style: chr12-132512776-G-T.
Other names: short protein forms S1775I.
Identifiers: ClinVar variation 3039269 (VCV003039269.3), dbSNP rs113902407, ClinGen allele CA6885992.

ClinVar aggregate classification (germline): Uncertain significance. Review status: criteria provided, single submitter (1 of 4 stars). 2 submissions from 2 submitters: Uncertain significance (1). 1 of the submissions does not count toward it. Last evaluated 2025-08-05.

Conditions:
EP400-related disorder. Also called: EP400-related condition.

Allele frequency attached by ClinVar (database versions not stated): ExAC 0.00072; 1000 Genomes Project 0.00200; gnomAD 0.00216; 1000 Genomes Project 30x 0.00250; TOPMed 0.00250; ESP Exome Variant Server 0.00269.
gnomAD v4.1: 685 of 1,614,202 alleles (0.042%); highest among the groups gnomAD compares: African/African-American, 0.78%; 1 homozygote.

Submissions (2):

Ambry Genetics
Classification: Uncertain significance. Last evaluated: 2025-08-05. Review status: criteria provided, single submitter. Criteria: Ambry Variant Classification Scheme 2023. Collection method: clinical testing. Allele origin: germline.

PreventionGenetics, part of Exact Sciences
Classification: Benign for EP400-related condition. Last evaluated: 2020-01-03. Review status: no assertion criteria provided. Collection method: clinical testing. Allele origin: germline. Not counted in ClinVar's aggregate classification.
Comment: This variant is classified as benign based on ACMG/AMP sequence variant interpretation guidelines (Richards et al. 2015 PMID: 25741868, with internal and published modifications).